The following is an entry in ClinVar:

ClinVar aggregate classification (germline): Uncertain significance (1 of 4 stars; one submission).

Conditions:
Hereditary pancreatitis (PCTT). Also called: PRSS1-Related Hereditary Pancreatitis; Hereditary chronic pancreatitis. Identifiers: Orphanet 676, MedGen C0238339, MONDO:0008185, OMIM 167800.

Submission:

Ambry Genetics
Classification: Uncertain significance for Hereditary pancreatitis. Last evaluated: 2024-11-28. Review status: criteria provided, single submitter. Criteria: Ambry Variant Classification Scheme 2023. Collection method: clinical testing. Allele origin: germline.
Comment: The p.H76Y variant (also known as c.226C>T), located in coding exon 3 of the PRSS1 gene, results from a C to T substitution at nucleotide position 226. The histidine at codon 76 is replaced by tyrosine, an amino acid with similar properties. This amino acid position is conserved. In addition, this alteration is predicted to be tolerated by in silico analysis. Since supporting evidence is limited at this time, the clinical significance of this alteration remains unclear.

NM_002769.5(PRSS1):c.226C>T (p.His76Tyr)

Genes: PRSS1 (serine protease 1; plus strand), TRB (T cell receptor beta locus; plus strand). Cytogenetic location: 7q34.
Variant type: single nucleotide variant.
Coding change: c.226C>T on transcript NM_002769.5 (MANE Select); coding-DNA position 226, C replaced by T.
Protein change: p.His76Tyr; replaces histidine 76 with tyrosine.
Molecular consequence: missense variant. On other transcripts: non-coding transcript variant (2).
Genome position (GRCh38, 1-based): chr7:142,751,799, C>T. VCF-style: chr7-142751799-C-T. GRCh37 (hg19) VCF-style: chr7-142459650-C-T.
Other names: short protein forms H76Y.
Identifiers: ClinVar variation 1788754 (VCV001788754.3), dbSNP rs1798757515, ClinGen allele CA369608417.
Genomic context (GRCh38, chr7:142,751,799, plus strand): 5'-GAGAAGGTCTTCACCATGCCTGCCCTGCCCATCAGCCGCATCCAGGTGAGACTGGGAGAG[C>T]ACAACATCGAAGTCCTGGAGGGGAATGAGCAGTTCATCAATGCAGCCAAGATCATCCGCC-3'
Protein context (NP_002760.1, residues 66-86): KSRIQVRLGE[His76Tyr]NIEVLEGNEQ